The following is an entry in ClinVar:

NM_000038.6(APC):c.4199C>T (p.Ser1400Leu)

Gene: APC (APC regulator of Wnt signaling pathway; plus strand). Cytogenetic location: 5q22.2.
Variant type: single nucleotide variant.
Coding change: c.4199C>T on transcript NM_000038.6 (MANE Select); coding-DNA position 4199, C replaced by T.
Protein change: p.Ser1400Leu; replaces serine 1400 with leucine.
Molecular consequence: missense variant.
Genome position (GRCh38, 1-based): chr5:112,839,793, C>T. VCF-style: chr5-112839793-C-T. GRCh37 (hg19) VCF-style: chr5-112175490-C-T.
Other names: c.4199C>T, p.Ser1400Leu (NM_001127510.3, NM_001354895.2); c.4145C>T, p.Ser1382Leu (NM_001127511.3); c.4229C>T, p.Ser1410Leu (NM_001354897.2); c.4115C>T, p.Ser1372Leu (NM_001354899.2); c.4253C>T, p.Ser1418Leu (NM_001354896.2); c.4124C>T, p.Ser1375Leu (NM_001354898.2); c.4076C>T, p.Ser1359Leu (NM_001354900.2); c.4022C>T, p.Ser1341Leu (NM_001354901.2); and 5 more; short protein forms S1382L, S1400L, S1117L, S1274L, S1299L, S1375L, S1418L, S1341L.
Identifiers: ClinVar variation 75618 (VCV000075618.11), dbSNP rs267600319, ClinGen allele CA037844.

ClinVar aggregate classification (germline): Uncertain significance. Review status: criteria provided, multiple submitters, no conflicts (2 of 4 stars). 5 submissions from 5 submitters: Uncertain significance (5). Last evaluated 2025-10-28.

Conditions:
Hereditary cancer-predisposing syndrome. Also called: Tumor predisposition; Hereditary Cancer Syndrome; Hereditary neoplastic syndrome; Neoplastic Syndromes, Hereditary. Identifiers: Orphanet 140162, MedGen C0027672, MeSH D009386, MONDO:0015356.
Familial adenomatous polyposis 1 (FAP1). Also called: POLYPOSIS, ADENOMATOUS INTESTINAL; FAMILIAL ADENOMATOUS POLYPOSIS 1, ATTENUATED. Identifiers: MedGen C2713442, MONDO:0021056, OMIM 175100. Disease mechanism: loss of function.
Inherited polyposis and early onset colorectal cancer - germline testing.
Classic or attenuated familial adenomatous polyposis. Identifiers: MedGen CN372698, MONDO:0021057.

Allele frequency attached by ClinVar (database versions not stated): gnomAD exomes below 0.00001 and 0.00001; ExAC 0.00001.
gnomAD v4.1: 5 of 1,614,032 alleles (0.00031%); highest among the groups gnomAD compares: Admixed American, 0.0017%; no homozygotes.

Submissions (5):

Color Diagnostics, LLC DBA Color Health
Classification: Uncertain significance for Hereditary cancer-predisposing syndrome. Last evaluated: 2025-10-28. Review status: criteria provided, single submitter. Criteria: ACMG Guidelines, 2015. Collection method: clinical testing. Allele origin: germline.
Comment: This missense variant replaces serine with leucine at codon 1400 of the APC protein. Computational prediction is inconclusive regarding the impact of this variant on protein structure and function. To our knowledge, functional studies have not been reported for this variant. This variant has not been reported in individuals affected with APC-related disorders in the literature. This variant has been identified in 5/1461864 chromosomes in the general population by the Genome Aggregation Database (gnomAD). The available evidence is insufficient to determine the role of this variant in disease conclusively. Therefore, this variant is classified as a Variant of Uncertain Significance.

Labcorp Genetics (formerly Invitae), Labcorp
Classification: Uncertain significance for Familial adenomatous polyposis 1. Last evaluated: 2025-10-07. Review status: criteria provided, single submitter. Criteria: Invitae Variant Classification Sherloc (09022015). Collection method: clinical testing. Allele origin: germline.
Comment: This sequence change replaces serine, which is neutral and polar, with leucine, which is neutral and non-polar, at codon 1400 of the APC protein (p.Ser1400Leu). This variant is present in population databases (rs267600319, gnomAD 0.003%). This variant has not been reported in the literature in individuals affected with APC-related conditions. ClinVar contains an entry for this variant (Variation ID: 75618). Invitae Evidence Modeling of protein sequence and biophysical properties (such as structural, functional, and spatial information, amino acid conservation, physicochemical variation, residue mobility, and thermodynamic stability) indicates that this missense variant is not expected to disrupt APC protein function with a negative predictive value of 95%. In summary, the available evidence is currently insufficient to determine the role of this variant in disease. Therefore, it has been classified as a Variant of Uncertain Significance.

Genomics and Molecular Medicine Service, East Genomic Laboratory Hub, NHS Genomic Medicine Service
Classification: Uncertain significance for Inherited polyposis and early onset colorectal cancer - germline testing. Last evaluated: 2024-05-29. Review status: criteria provided, single submitter. Criteria: ACGS Best Practice Guidelines for Variant Classification in Rare Disease 2020. Collection method: clinical testing. Allele origin: germline. Affected: yes.
Comment: PM2_Supporting

All of Us Research Program, National Institutes of Health
Classification: Uncertain significance for Classic or attenuated familial adenomatous polyposis. Last evaluated: 2023-08-23. Review status: criteria provided, single submitter. Criteria: ACMG Guidelines, 2015. Collection method: clinical testing. Allele origin: germline. Inheritance: Autosomal dominant inheritance. Observed: 1 variant allele, 1 heterozygote.
Comment: This missense variant replaces serine with leucine at codon 1400 of the APC protein. Computational prediction is inconclusive regarding the impact of this variant on protein structure and function (internally defined REVEL score threshold 0.5 < inconclusive < 0.7, PMID: 27666373). To our knowledge, functional studies have not been reported for this variant. This variant has not been reported in individuals affected with APC-related disorders in the literature. This variant has been identified in 2/251010 chromosomes in the general population by the Genome Aggregation Database (gnomAD). The available evidence is insufficient to determine the role of this variant in disease conclusively. Therefore, this variant is classified as a Variant of Uncertain Significance.

This study involves interpretation of variants in research participants for the purpose of population health screening. Participant phenotype was not available at the time of variant classification. Additional details can be found in publication PMID: 35346344, PMCID: PMC8962531

Ambry Genetics
Classification: Uncertain significance for Hereditary cancer-predisposing syndrome. Last evaluated: 2017-03-22. Review status: criteria provided, single submitter. Criteria: Ambry Variant Classification Scheme 2023. Collection method: clinical testing. Allele origin: germline.
Comment: The p.S1400L variant (also known as c.4199C>T), located in coding exon 15 of the APC gene, results from a C to T substitution at nucleotide position 4199. The serine at codon 1400 is replaced by leucine, an amino acid with dissimilar properties. This amino acid position is highly conserved in available vertebrate species. In addition, in silico predictors for this gene do not accurately predict pathogenicity. Since supporting evidence is limited at this time, the clinical significance of this alteration remains unclear.